The following is an entry in ClinVar:

ClinVar aggregate classification (germline): Uncertain significance (0 of 4 stars; one submission).

Conditions:
NCOA1-related disorder. Also called: NCOA1-related condition.

gnomAD v4.1: 1 of 1,614,076 alleles (0.000062%); highest among the groups gnomAD compares: Non-Finnish European, 0.000085%; no homozygotes.

Submission:

PreventionGenetics, part of Exact Sciences
Classification: Uncertain significance for NCOA1-related condition. Last evaluated: 2024-05-06. Review status: no assertion criteria provided. Collection method: clinical testing. Allele origin: germline.
Comment: The NCOA1 c.3996C>A variant is predicted to result in the amino acid substitution p.Asn1332Lys. To our knowledge, this variant has not been reported in the literature or in gnomAD, indicating this variant is rare. At this time, the clinical significance of this variant is uncertain due to the absence of conclusive functional and genetic evidence.

NM_003743.5(NCOA1):c.3996C>A (p.Asn1332Lys)

Gene: NCOA1 (nuclear receptor coactivator 1; plus strand). Cytogenetic location: 2p23.3.
Variant type: single nucleotide variant.
Coding change: c.3996C>A on transcript NM_003743.5 (MANE Select); coding-DNA position 3996, C replaced by A.
Protein change: p.Asn1332Lys; replaces asparagine 1332 with lysine.
Molecular consequence: missense variant.
Genome position (GRCh38, 1-based): chr2:24,758,087, C>A. VCF-style: chr2-24758087-C-A. GRCh37 (hg19) VCF-style: chr2-24980956-C-A.
Other names: c.3996C>A, p.Asn1332Lys (NM_001362950.1, NM_001362952.1, NM_001362954.1 and 3 more transcripts); short protein forms N1332K.
Identifiers: ClinVar variation 3358347 (VCV003358347.1).